The following is an entry in ClinVar:

NM_006019.4(TCIRG1):c.220C>T (p.Arg74Trp)

Gene: TCIRG1 (T cell immune regulator 1, ATPase H+ transporting V0 subunit a3; plus strand). Cytogenetic location: 11q13.2.
Variant type: single nucleotide variant.
Coding change: c.220C>T on transcript NM_006019.4 (MANE Select); coding-DNA position 220, C replaced by T.
Protein change: p.Arg74Trp; replaces arginine 74 with tryptophan.
Molecular consequence: missense variant. On other transcripts: 5 prime UTR variant (1).
Genome position (GRCh38, 1-based): chr11:68,042,666, C>T. VCF-style: chr11-68042666-C-T. GRCh37 (hg19) VCF-style: chr11-67810133-C-T.
Other names: c.-1030C>T (NM_001351059.2); c.220C>T (NM_006019.3); short protein forms R74W.
Identifiers: ClinVar variation 2145369 (VCV002145369.5), dbSNP rs780788680, ClinGen allele CA6146687.

ClinVar aggregate classification (germline): Uncertain significance. Review status: criteria provided, multiple submitters, no conflicts (2 of 4 stars). 3 submissions from 3 submitters: Uncertain significance (3). Last evaluated 2025-10-27.

Conditions:
Autosomal recessive osteopetrosis 1. Also called: TCIRG1-Related Autosomal Recessive Osteopetrosis; TCIRG1-Related Osteopetrosis; ALBERS-SCHONBERG DISEASE, AUTOSOMAL RECESSIVE. Identifiers: Orphanet 667, MedGen C1850127, MONDO:0009815, OMIM 259700.
Inborn genetic diseases. Identifiers: MedGen C0950123, MeSH D030342.

Allele frequency attached by ClinVar (database versions not stated): gnomAD 0.00003; TOPMed 0.00004; ExAC 0.00008.
gnomAD v4.1: 44 of 1,546,960 alleles (0.0028%); highest among the groups gnomAD compares: African/African-American, 0.0082%; no homozygotes.

Submissions (3):

Labcorp Genetics (formerly Invitae), Labcorp
Classification: Uncertain significance. Last evaluated: 2025-10-27. Review status: criteria provided, single submitter. Criteria: Invitae Variant Classification Sherloc (09022015). Collection method: clinical testing. Allele origin: germline.
Comment: This sequence change replaces arginine, which is basic and polar, with tryptophan, which is neutral and slightly polar, at codon 74 of the TCIRG1 protein (p.Arg74Trp). This variant is present in population databases (rs780788680, gnomAD 0.007%). This variant has not been reported in the literature in individuals affected with TCIRG1-related conditions. ClinVar contains an entry for this variant (Variation ID: 2145369). Invitae Evidence Modeling of protein sequence and biophysical properties (such as structural, functional, and spatial information, amino acid conservation, physicochemical variation, residue mobility, and thermodynamic stability) indicates that this missense variant is not expected to disrupt TCIRG1 protein function with a negative predictive value of 80%. In summary, the available evidence is currently insufficient to determine the role of this variant in disease. Therefore, it has been classified as a Variant of Uncertain Significance.

Ambry Genetics
Classification: Uncertain significance for Inborn genetic diseases. Last evaluated: 2025-04-10. Review status: criteria provided, single submitter. Criteria: Ambry Variant Classification Scheme 2023. Collection method: clinical testing. Allele origin: germline.

Department of Pathology and Laboratory Medicine, Sinai Health System
Classification: Uncertain significance for Autosomal recessive osteopetrosis 1. Last evaluated: 2022-01-12. Review status: criteria provided, single submitter. Criteria: ACMG Guidelines, 2015. Collection method: research. Allele origin: germline.